The following is an entry in ClinVar:

ClinVar aggregate classification (germline): Uncertain significance (0 of 4 stars; one submission).

Conditions:
VPS13B-related disorder. Also called: VPS13B-related condition.

Submission:

PreventionGenetics, part of Exact Sciences
Classification: Uncertain significance for VPS13B-related condition. Last evaluated: 2024-09-17. Review status: no assertion criteria provided. Collection method: clinical testing. Allele origin: germline.
Comment: The VPS13B c.4429G>A variant is predicted to result in the amino acid substitution p.Val1477Ile. To our knowledge, this variant has not been reported in the literature or in a large population database, indicating this variant is rare. At this time, the clinical significance of this variant is uncertain due to the absence of conclusive functional and genetic evidence.

NM_152564.5(VPS13B):c.4429G>A (p.Val1477Ile)

Gene: VPS13B (vacuolar protein sorting 13 homolog B; plus strand). Cytogenetic location: 8q22.2.
Variant type: single nucleotide variant.
Coding change: c.4429G>A on transcript NM_152564.5 (MANE Select); coding-DNA position 4429, G replaced by A.
Protein change: p.Val1477Ile; replaces valine 1477 with isoleucine.
Molecular consequence: missense variant.
Genome position (GRCh38, 1-based): chr8:99,511,308, G>A. VCF-style: chr8-99511308-G-A. GRCh37 (hg19) VCF-style: chr8-100523536-G-A.
Other names: c.4504G>A, p.Val1502Ile (NM_017890.5); short protein forms V1477I, V1502I.
Identifiers: ClinVar variation 3347637 (VCV003347637.1).